The following is an entry in ClinVar:

ClinVar aggregate classification (germline): Uncertain significance (1 of 4 stars; one submission).

Conditions:
CEP164-related disorder. Also called: CEP164-related condition.

gnomAD v4.1: 3 of 1,614,108 alleles (0.00019%); highest among the groups gnomAD compares: South Asian, 0.0011%; no homozygotes.

Submission:

PreventionGenetics, part of Exact Sciences
Classification: Uncertain significance for CEP164-related condition. Last evaluated: 2026-03-09. Review status: criteria provided, single submitter. Criteria: ACMG Guidelines, 2015. Collection method: clinical testing. Allele origin: germline.
Comment: The CEP164 c.2725C>T variant is predicted to result in the amino acid substitution p.Arg909Cys. To our knowledge, this variant has not been reported in the literature. This variant is reported in 0.0033% of alleles in individuals of South Asian descent in gnomAD. At this time, the clinical significance of this variant is uncertain due to the absence of conclusive functional and genetic evidence.

NM_014956.5(CEP164):c.2725C>T (p.Arg909Cys)

Gene: CEP164 (centrosomal protein 164; plus strand). Cytogenetic location: 11q23.3.
Variant type: single nucleotide variant.
Coding change: c.2725C>T on transcript NM_014956.5 (MANE Select); coding-DNA position 2725, C replaced by T.
Protein change: p.Arg909Cys; replaces arginine 909 with cysteine.
Molecular consequence: missense variant.
Genome position (GRCh38, 1-based): chr11:117,394,458, C>T. VCF-style: chr11-117394458-C-T. GRCh37 (hg19) VCF-style: chr11-117265174-C-T.
Other names: c.2734C>T, p.Arg912Cys (NM_001271933.2, NM_001440949.1); c.2725C>T, p.Arg909Cys (NM_001440950.1, NM_001440951.1, NM_001440953.1); c.2560C>T, p.Arg854Cys (NM_001440952.1, NM_001440968.1, NM_001440969.1); c.2647C>T, p.Arg883Cys (NM_001440954.1, NM_001440955.1, NM_001440958.1 and 1 more transcripts); c.2638C>T, p.Arg880Cys (NM_001440956.1, NM_001440957.1); c.2596C>T, p.Arg866Cys (NM_001440960.1); c.2587C>T, p.Arg863Cys (NM_001440961.1, NM_001440967.1); c.2578C>T, p.Arg860Cys (NM_001440962.1, NM_001440963.1, NM_001440964.1 and 4 more transcripts); and 7 more; short protein forms R863C, R866C, R784C, R912C, R764C, R834C, R856C, R860C.
Identifiers: ClinVar variation 4983615 (VCV004983615.1).